The following is an entry in ClinVar:

ClinVar aggregate classification (germline): Benign/Likely benign. Review status: criteria provided, multiple submitters, no conflicts (2 of 4 stars). 3 submissions from 3 submitters: Benign (1); Likely benign (2). Last evaluated 2025-12-15.

Conditions:
Hereditary cancer-predisposing syndrome. Also called: Hereditary Cancer Syndrome; Neoplastic Syndromes, Hereditary; Hereditary neoplastic syndrome; Tumor predisposition. Identifiers: Orphanet 140162, MedGen C0027672, MeSH D009386, MONDO:0015356.
Oligodontia-cancer predisposition syndrome. Also called: TOOTH AGENESIS-COLORECTAL CANCER SYNDROME. Identifiers: Orphanet 300576, MedGen C1837750, MONDO:0012075, OMIM 608615. Disease mechanism: loss of function.

Allele frequency attached by ClinVar (database versions not stated): TOPMed below 0.00001.

Submissions (3):

Labcorp Genetics (formerly Invitae), Labcorp
Classification: Likely benign for Oligodontia-cancer predisposition syndrome. Last evaluated: 2025-12-15. Review status: criteria provided, single submitter. Criteria: Invitae Variant Classification Sherloc (09022015). Collection method: clinical testing. Allele origin: germline.

Myriad Genetics, Inc.
Classification: Benign for Oligodontia-cancer predisposition syndrome. Last evaluated: 2024-07-02. Review status: criteria provided, single submitter. Criteria: Myriad Autosomal Dominant, Autosomal Recessive and X-Linked Classification Criteria (2023). Collection method: clinical testing. Allele origin: unknown.
Comment: This variant is considered benign. This variant is a silent/synonymous amino acid change and it is not expected to impact splicing.

Ambry Genetics
Classification: Likely benign for Hereditary cancer-predisposing syndrome. Last evaluated: 2022-04-25. Review status: criteria provided, single submitter. Criteria: Ambry Variant Classification Scheme 2023. Collection method: clinical testing. Allele origin: germline.

NM_004655.4(AXIN2):c.1254C>T (p.Pro418=)

Gene: AXIN2 (axin 2; minus strand). Cytogenetic location: 17q24.1.
Variant type: single nucleotide variant.
Coding change: c.1254C>T on transcript NM_004655.4 (MANE Select); coding-DNA position 1254, C replaced by T.
Protein change: p.Pro418=; no amino-acid change (proline 418 retained).
Molecular consequence: synonymous variant.
Genome position (GRCh38, 1-based): chr17:65,537,782, G>A on the plus strand (C>T on the coding strand, the complement: AXIN2 is on the minus strand). VCF-style: chr17-65537782-G-A. GRCh37 (hg19) VCF-style: chr17-63533900-G-A.
Other names: c.1254C>T, p.Pro418= (NM_001363813.1).
Identifiers: ClinVar variation 1094348 (VCV001094348.12), dbSNP rs1425499560, ClinGen allele CA501691347.